The following is an entry in ClinVar:

ClinVar aggregate classification (germline): Likely benign. Review status: criteria provided, multiple submitters, no conflicts (2 of 4 stars). 3 submissions from 3 submitters: Likely benign (3). Last evaluated 2026-04-07.

Conditions:
SCYL1-related disorder. Also called: SCYL1-related condition.

Allele frequency attached by ClinVar (database versions not stated): gnomAD below 0.00001 and 0.00018; TOPMed 0.00004; gnomAD exomes 0.00065; ExAC 0.00079; 1000 Genomes Project 30x 0.00187; 1000 Genomes Project 0.00220.

Submissions (3):

PreventionGenetics, part of Exact Sciences
Classification: Likely benign for SCYL1-related condition. Last evaluated: 2026-04-07. Review status: criteria provided, single submitter. Criteria: ACMG Guidelines, 2015. Collection method: clinical testing. Allele origin: germline.
Comment: This variant is classified as likely benign based on ACMG/AMP sequence variant interpretation guidelines (Richards et al. 2015 PMID: 25741868, with internal and published modifications).

Labcorp Genetics (formerly Invitae), Labcorp
Classification: Likely benign. Last evaluated: 2018-07-20. Review status: criteria provided, single submitter. Criteria: Invitae Variant Classification Sherloc (09022015). Collection method: clinical testing. Allele origin: germline.

Breakthrough Genomics
Classification: Likely benign. Review status: criteria provided, single submitter. Criteria: ACMG Guidelines, 2015. Collection method: not provided. Allele origin: germline. Inheritance: Autosomal recessive inheritance. Affected: yes.

NM_020680.4(SCYL1):c.462G>C (p.Glu154Asp)

Gene: SCYL1 (SCY1 like pseudokinase 1; plus strand). Cytogenetic location: 11q13.1.
Variant type: single nucleotide variant.
Coding change: c.462G>C on transcript NM_020680.4 (MANE Select); coding-DNA position 462, G replaced by C.
Protein change: p.Glu154Asp; replaces glutamic acid 154 with aspartic acid.
Molecular consequence: missense variant.
Genome position (GRCh38, 1-based): chr11:65,526,210, G>C. VCF-style: chr11-65526210-G-C. GRCh37 (hg19) VCF-style: chr11-65293681-G-C.
Other names: c.462G>C, p.Glu154Asp (NM_001048218.2); short protein forms E154D.
Identifiers: ClinVar variation 722195 (VCV000722195.5), dbSNP rs571188091, ClinGen allele CA6099510.